The following is an entry in ClinVar:

ClinVar aggregate classification (germline): Uncertain significance (1 of 4 stars; one submission).

Submission:

Labcorp Genetics (formerly Invitae), Labcorp
Classification: Uncertain significance. Last evaluated: 2022-02-03. Review status: criteria provided, single submitter. Criteria: Invitae Variant Classification Sherloc (09022015). Collection method: clinical testing. Allele origin: germline.
Comment: This variant is not present in population databases (gnomAD no frequency). In summary, the available evidence is currently insufficient to determine the role of this variant in disease. Therefore, it has been classified as a Variant of Uncertain Significance. This variant has not been reported in the literature in individuals affected with RNF31-related conditions. This sequence change creates a premature translational stop signal (p.Arg66Profs*36) in the RNF31 gene. It is expected to result in an absent or disrupted protein product. However, the current clinical and genetic evidence is not sufficient to establish whether loss-of-function variants in RNF31 cause disease.

NM_017999.5(RNF31):c.197delinsCA (p.Arg66fs)

Gene: RNF31 (ring finger protein 31; plus strand). Cytogenetic location: 14q12.
Variant type: Indel.
Coding change: c.197delinsCA on transcript NM_017999.5 (MANE Select); coding-DNA position 197, G replaced by CA.
Protein change: p.Arg66fs; shifts the reading frame from arginine 66.
Molecular consequence: frameshift variant. On other transcripts: 5 prime UTR variant (1).
Genome position (GRCh38, 1-based): chr14:24,147,980, G replaced by CA. VCF-style: chr14-24147980-G-CA. GRCh37 (hg19) VCF-style: chr14-24617189-G-CA.
Other names: c.-321delinsCA (NM_001310332.2); short protein forms R66fs.
Identifiers: ClinVar variation 2092304 (VCV002092304.4), dbSNP rs2501990485, ClinGen allele CA2580087930.